The following is an entry in ClinVar:

ClinVar aggregate classification (germline): Uncertain significance. Review status: criteria provided, multiple submitters, no conflicts (2 of 4 stars). 4 submissions from 4 submitters: Uncertain significance (3). 1 of the submissions does not count toward it. Last evaluated 2025-10-23.

Conditions:
BBS12-related disorder. Also called: BBS12-related condition.
Bardet-Biedl syndrome 12 (BBS12). Identifiers: Orphanet 110, MedGen C1859570, MONDO:0014440, OMIM 615989.
Inborn genetic diseases. Identifiers: MedGen C0950123, MeSH D030342.
Bardet-Biedl syndrome (BBS). Identifiers: Orphanet 110, MedGen C0752166, MONDO:0015229.

Allele frequency attached by ClinVar (database versions not stated): gnomAD 0.00001; TOPMed 0.00002; gnomAD exomes 0.00003 and 0.00008; ExAC 0.00007.
gnomAD v4.1: 19 of 1,614,118 alleles (0.0012%); highest among the groups gnomAD compares: Admixed American, 0.032%; no homozygotes.

Submissions (4):

Labcorp Genetics (formerly Invitae), Labcorp
Classification: Uncertain significance for Bardet-Biedl syndrome. Last evaluated: 2025-10-23. Review status: criteria provided, single submitter. Criteria: Invitae Variant Classification Sherloc (09022015). Collection method: clinical testing. Allele origin: germline.
Comment: This sequence change replaces isoleucine, which is neutral and non-polar, with valine, which is neutral and non-polar, at codon 490 of the BBS12 protein (p.Ile490Val). This variant is present in population databases (rs775189952, gnomAD 0.06%). This variant has not been reported in the literature in individuals affected with BBS12-related conditions. ClinVar contains an entry for this variant (Variation ID: 1382348). Invitae Evidence Modeling of protein sequence and biophysical properties (such as structural, functional, and spatial information, amino acid conservation, physicochemical variation, residue mobility, and thermodynamic stability) indicates that this missense variant is not expected to disrupt BBS12 protein function with a negative predictive value of 80%. In summary, the available evidence is currently insufficient to determine the role of this variant in disease. Therefore, it has been classified as a Variant of Uncertain Significance.

Ambry Genetics
Classification: Uncertain significance for Inborn genetic diseases. Last evaluated: 2024-10-19. Review status: criteria provided, single submitter. Criteria: Ambry Variant Classification Scheme 2023. Collection method: clinical testing. Allele origin: germline.

Fulgent Genetics
Classification: Uncertain significance for Bardet-Biedl syndrome 12. Last evaluated: 2024-05-16. Review status: criteria provided, single submitter. Criteria: ACMG Guidelines, 2015. Collection method: clinical testing. Allele origin: germline.

PreventionGenetics, part of Exact Sciences
Classification: Uncertain significance for BBS12-related condition. Last evaluated: 2024-08-20. Review status: no assertion criteria provided. Collection method: clinical testing. Allele origin: germline. Not counted in ClinVar's aggregate classification.
Comment: The BBS12 c.1468A>G variant is predicted to result in the amino acid substitution p.Ile490Val. To our knowledge, this variant has not been reported in the literature. This variant is reported in 0.058% of alleles in individuals of Latino descent in gnomAD, which is likely too common for an undocumented disease-causing variant. Although we suspect that this variant may be benign, at this time, the clinical significance of this variant is uncertain due to the absence of conclusive functional and genetic evidence.

NM_152618.3(BBS12):c.1468A>G (p.Ile490Val)

Gene: BBS12 (Bardet-Biedl syndrome 12; plus strand). Cytogenetic location: 4q27.
Variant type: single nucleotide variant.
Coding change: c.1468A>G on transcript NM_152618.3 (MANE Select); coding-DNA position 1468, A replaced by G.
Protein change: p.Ile490Val; replaces isoleucine 490 with valine.
Molecular consequence: missense variant.
Genome position (GRCh38, 1-based): chr4:122,743,360, A>G. VCF-style: chr4-122743360-A-G. GRCh37 (hg19) VCF-style: chr4-123664515-A-G.
Other names: c.1468A>G, p.Ile490Val (NM_001178007.2); c.1468A>G (NM_152618.2); short protein forms I490V.
Identifiers: ClinVar variation 1382348 (VCV001382348.9), dbSNP rs775189952, ClinGen allele CA3069457.